The following is an entry in ClinVar:

ClinVar aggregate classification (germline): Uncertain significance (1 of 4 stars; one submission).

Conditions:
Malignant hyperthermia, susceptibility to, 1 (MHS1). Also called: RYR1-Related Malignant Hyperthermia Susceptibility; Malignant hyperthermia suceptibility 1; Anesthesia related hyperthermia; Malignant hyperpyrexia; Fulminating hyperpyrexia; Pharmacogenic myopathy. Identifiers: Orphanet 423, MedGen C2930980, MONDO:0007783, OMIM 145600.

Submission:

Color Diagnostics, LLC DBA Color Health
Classification: Uncertain significance for Malignant hyperthermia, susceptibility to, 1. Last evaluated: 2025-05-13. Review status: criteria provided, single submitter. Criteria: ACMG Guidelines, 2015. Collection method: clinical testing. Allele origin: germline.
Comment: This variant deletes 2 amino acids in exon 58 of the RYR1 protein. To our knowledge, functional studies have not been reported for this variant. This variant has not been reported in individuals affected with RYR1-related disorders in the literature. This variant has not been identified in the general population by the Genome Aggregation Database (gnomAD). The available evidence is insufficient to determine the role of this variant in disease conclusively. Therefore, this variant is classified as a Variant of Uncertain Significance.

NM_000540.3(RYR1):c.8852_8857del (p.Ile2951_Glu2952del)

Gene: RYR1 (ryanodine receptor 1; plus strand). Cytogenetic location: 19q13.2.
Variant type: Deletion.
Coding change: c.8852_8857del on transcript NM_000540.3 (MANE Select); coding-DNA positions 8852 to 8857, 6 bases deleted (TTGAAA; older notation c.8852_8857delTTGAAA).
Protein change: p.Ile2951_Glu2952del.
Genome position (GRCh38, 1-based): chr19:38,507,747-38,507,752, TTGAAA deleted; deleting any 6 consecutive bases within chr19:38,507,746-38,507,752 gives the same sequence; the c. name uses the placement nearest the transcript's 3' end. VCF-style (leftmost placement, unchanged base first): chr19-38507745-CATTGAA-C. GRCh37 (hg19) VCF-style: chr19-38998385-CATTGAA-C.
Other names: c.8852_8857del, p.Ile2951_Glu2952del (NM_001042723.2).
Identifiers: ClinVar variation 4756654 (VCV004756654.1).
Genomic context (GRCh38, chr19:38,507,745, plus strand): 5'-GATCCTTCTCTCCACATCTCCATGCAGAGGCCTTAAGGACATGGAACTGGACTCGTCTTC[CATTGAA>C]AAGCGGTTTGCCTTTGGCTTCCTGCAGCAGCTGCTGCGCTGGATGGACATTTCTCAGGAG-3'